The following is an entry in ClinVar:

ClinVar aggregate classification (germline): Uncertain significance (1 of 4 stars; one submission).

Submission:

Labcorp Genetics (formerly Invitae), Labcorp
Classification: Uncertain significance. Last evaluated: 2023-07-26. Review status: criteria provided, single submitter. Criteria: Invitae Variant Classification Sherloc (09022015). Collection method: clinical testing. Allele origin: germline.
Comment: This variant has not been reported in the literature in individuals affected with COL10A1-related conditions. In summary, the available evidence is currently insufficient to determine the role of this variant in disease. Therefore, it has been classified as a Variant of Uncertain Significance. This variant is present in population databases (rs764985555, gnomAD 0.01%). This sequence change creates a premature translational stop signal (p.Pro167Glnfs*18) in the COL10A1 gene. While this is not anticipated to result in nonsense mediated decay, it is expected to disrupt the last 514 amino acid(s) of the COL10A1 protein.

NM_000493.4(COL10A1):c.500del (p.Pro167fs)

Genes: COL10A1 (collagen type X alpha 1 chain; minus strand), NT5DC1 (5'-nucleotidase domain containing 1; plus strand). Cytogenetic location: 6q22.1.
Variant type: Deletion.
Coding change: c.500del on transcript NM_000493.4 (MANE Select); coding-DNA position 500, one base deleted (C; older notation c.500delC).
Protein change: p.Pro167fs; shifts the reading frame from proline 167.
Molecular consequence: frameshift variant. On other transcripts: intron variant (1).
Genome position (GRCh38, 1-based): chr6:116,121,616, G deleted on the plus strand (C on the coding strand, the reverse complement: COL10A1 is on the minus strand); the first of 4 consecutive G bases (chr6:116,121,616-116,121,619); deleting any one gives the same sequence. VCF-style (leftmost placement, unchanged base first): chr6-116121615-TG-T. GRCh37 (hg19) VCF-style: chr6-116442778-TG-T.
Other names: c.500del, p.Pro167fs (NM_001424106.1, NM_001424107.1); c.529+3674del (NM_152729.3); short protein forms P167fs.
Identifiers: ClinVar variation 2779623 (VCV002779623.3), dbSNP rs764985555, ClinGen allele CA3968385.
Genomic context (GRCh38, chr6:116,121,615, plus strand): 5'-CTGTCCATTCATACCAGGGACTCCTGGTGCACCCTTTTCTCCAGGAAAGCCCCTGGGTCC[TG>T]GGGCTCCTGTGGGTCCCTGTTGTCCAGGTTTTCCTGGCACAGAAATTCCAGCCGGTCCAG-3'